The following is an entry in ClinVar:

ClinVar aggregate classification (germline): Uncertain significance (1 of 4 stars; one submission).

Conditions:
ARID2-related disorder. Also called: ARID2-related condition.

gnomAD v4.1: 2 of 1,614,184 alleles (0.00012%); highest among the groups gnomAD compares: Non-Finnish European, 0.000085%; no homozygotes.

Submission:

PreventionGenetics, part of Exact Sciences
Classification: Uncertain significance for ARID2-related condition. Last evaluated: 2026-05-28. Review status: criteria provided, single submitter. Criteria: ACMG Guidelines, 2015. Collection method: clinical testing. Allele origin: germline.
Comment: The ARID2 c.4217C>G variant is predicted to result in the amino acid substitution p.Thr1406Ser. To our knowledge, this variant has not been reported in the literature or in a large population database (gnomAD), indicating this variant is rare. At this time, the clinical significance of this variant is uncertain due to the absence of conclusive functional and genetic evidence.

NM_152641.4(ARID2):c.4217C>G (p.Thr1406Ser)

Gene: ARID2 (AT-rich interaction domain 2; plus strand). Cytogenetic location: 12q12.
Variant type: single nucleotide variant.
Coding change: c.4217C>G on transcript NM_152641.4 (MANE Select); coding-DNA position 4217, C replaced by G.
Protein change: p.Thr1406Ser; replaces threonine 1406 with serine.
Molecular consequence: missense variant.
Genome position (GRCh38, 1-based): chr12:45,852,340, C>G. VCF-style: chr12-45852340-C-G. GRCh37 (hg19) VCF-style: chr12-46246123-C-G.
Other names: c.4217C>G, p.Thr1406Ser (NM_001347839.2); short protein forms T1406S.
Identifiers: ClinVar variation 4991887 (VCV004991887.1).